The following is an entry in ClinVar:

NM_013276.4(SHPK):c.530C>T (p.Thr177Ile)

Gene: SHPK (sedoheptulokinase; minus strand). Cytogenetic location: 17p13.2.
Variant type: single nucleotide variant.
Coding change: c.530C>T on transcript NM_013276.4 (MANE Select); coding-DNA position 530, C replaced by T.
Protein change: p.Thr177Ile; replaces threonine 177 with isoleucine.
Molecular consequence: missense variant.
Genome position (GRCh38, 1-based): chr17:3,623,456, G>A on the plus strand (C>T on the coding strand, the complement: SHPK is on the minus strand). VCF-style: chr17-3623456-G-A. GRCh37 (hg19) VCF-style: chr17-3526750-G-A.
Other names: c.530C>T (NM_013276.2); short protein forms T177I.
Identifiers: ClinVar variation 1419022 (VCV001419022.8), dbSNP rs780281912, ClinGen allele CA8291292.

ClinVar aggregate classification (germline): Uncertain significance. Review status: criteria provided, multiple submitters, no conflicts (2 of 4 stars). 2 submissions from 2 submitters: Uncertain significance (2). Last evaluated 2025-01-08.

Allele frequency attached by ClinVar (database versions not stated): ExAC 0.00003; gnomAD exomes 0.00003 and 0.00004; gnomAD 0.00004 and 0.00006; TOPMed 0.00004.
gnomAD v4.1: 65 of 1,614,166 alleles (0.004%); highest among the groups gnomAD compares: East Asian, 0.013%; no homozygotes.

Submissions (2):

Ambry Genetics
Classification: Uncertain significance. Last evaluated: 2025-01-08. Review status: criteria provided, single submitter. Criteria: Ambry Variant Classification Scheme 2023. Collection method: clinical testing. Allele origin: germline.

Labcorp Genetics (formerly Invitae), Labcorp
Classification: Uncertain significance. Last evaluated: 2023-08-17. Review status: criteria provided, single submitter. Criteria: Invitae Variant Classification Sherloc (09022015). Collection method: clinical testing. Allele origin: germline.
Comment: An algorithm developed to predict the effect of missense changes on protein structure and function (PolyPhen-2) suggests that this variant is likely to be disruptive. In summary, the available evidence is currently insufficient to determine the role of this variant in disease. Therefore, it has been classified as a Variant of Uncertain Significance. ClinVar contains an entry for this variant (Variation ID: 1419022). This variant has not been reported in the literature in individuals affected with SHPK-related conditions. This variant is present in population databases (rs780281912, gnomAD 0.006%). This sequence change replaces threonine, which is neutral and polar, with isoleucine, which is neutral and non-polar, at codon 177 of the SHPK protein (p.Thr177Ile).